The following is an entry in ClinVar:

ClinVar aggregate classification (germline): Benign (1 of 4 stars; one submission).

gnomAD v4.1: 1,813 of 1,609,744 alleles (0.11%); highest among the groups gnomAD compares: East Asian, 3.9%; 26 homozygotes.

Submissions (3):

Mayo Clinic Laboratories, Mayo Clinic
Classification: Benign. Last evaluated: 2025-04-22. Review status: criteria provided, single submitter. Criteria: ACMG Guidelines, 2015. Collection method: clinical testing. Allele origin: germline. Observed: 1 variant allele.
Comment: BS1, BS2, BP4, BP7

Dr. Peter K. Rogan Lab, Western University
No classification provided (evidence only). Condition: Malignant tumor of urinary bladder. Review status: no classification provided. Collection method: in vitro. Allele origin: not applicable. Functional consequence: skipped exon. Not counted in ClinVar's aggregate classification.

Dr. Peter K. Rogan Lab, Western University
No classification provided (evidence only). Condition: Malignant tumor of urinary bladder. Review status: no classification provided. Collection method: in vitro. Allele origin: not applicable. Functional consequence: retained intron. Not counted in ClinVar's aggregate classification.

NM_022834.5(VWA1):c.435C>T (p.Gly145=)

Gene: VWA1 (von Willebrand factor A domain containing 1; plus strand). Cytogenetic location: 1p36.33.
Variant type: single nucleotide variant.
Coding change: c.435C>T on transcript NM_022834.5 (MANE Select); coding-DNA position 435, C replaced by T.
Protein change: p.Gly145=; no amino-acid change (glycine 145 retained).
Molecular consequence: synonymous variant. On other transcripts: intron variant (1).
Genome position (GRCh38, 1-based): chr1:1,437,288, C>T. VCF-style: chr1-1437288-C-T. GRCh37 (hg19) VCF-style: chr1-1372668-C-T.
Other names: NC_000001.10:g.1372668C>T; p.Gly145=; c.74-34C>T (NM_199121.3).
Identifiers: ClinVar variation 4506263 (VCV004506263.2).